The following is an entry in ClinVar:

NM_001369.3(DNAH5):c.459_460delinsT (p.Leu153fs)

Gene: DNAH5 (dynein axonemal heavy chain 5; minus strand). Cytogenetic location: 5p15.2.
Variant type: Indel.
Coding change: c.459_460delinsT on transcript NM_001369.3 (MANE Select); coding-DNA positions 459 to 460, AG replaced by T.
Protein change: p.Leu153fs; shifts the reading frame from leucine 153.
Molecular consequence: frameshift variant.
Genome position (GRCh38, 1-based): chr5:13,922,307-13,922,308, CT replaced by A on the plus strand (AG replaced by T on the coding strand, the reverse complement: DNAH5 is on the minus strand). VCF-style: chr5-13922307-CT-A. GRCh37 (hg19) VCF-style: chr5-13922416-CT-A.
Other names: short protein forms L153fs.
Identifiers: ClinVar variation 5011547 (VCV005011547.1).

ClinVar aggregate classification (germline): Pathogenic (1 of 4 stars; one submission).

Conditions:
Primary ciliary dyskinesia 3. Identifiers: Orphanet 244, MedGen C1837618, MONDO:0012085, OMIM 608644.

Submission:

Myriad Genetics, Inc.
Classification: Pathogenic for Primary ciliary dyskinesia 3. Last evaluated: 2023-09-03. Review status: criteria provided, single submitter. Criteria: Myriad Autosomal Dominant, Autosomal Recessive and X-Linked Classification Criteria (2023). Collection method: clinical testing. Allele origin: unknown.
Comment: NM_001369.2(DNAH5):c.459_460delAGinsT(L153Ffs*12) is expected to be pathogenic in the context of primary ciliary dyskinesia, DNAH5-related. This variant is predicted to lead to an abnormal or absent protein product due to the creation of a premature termination codon in DNAH5, a gene where loss-of-function variants are known to be pathogenic. Please note: this variant was assessed in the context of healthy population screening.